The following is an entry in ClinVar:

NM_152383.5(DIS3L2):c.1009C>A (p.Leu337Ile)

Gene: DIS3L2 (DIS3 like 3'-5' exoribonuclease 2; plus strand). Cytogenetic location: 2q37.1.
Variant type: single nucleotide variant.
Coding change: c.1009C>A on transcript NM_152383.5 (MANE Select); coding-DNA position 1009, C replaced by A.
Protein change: p.Leu337Ile; replaces leucine 337 with isoleucine.
Molecular consequence: missense variant. On other transcripts: non-coding transcript variant (2).
Genome position (GRCh38, 1-based): chr2:232,163,517, C>A. VCF-style: chr2-232163517-C-A. GRCh37 (hg19) VCF-style: chr2-233028227-C-A.
Other names: c.1009C>A, p.Leu337Ile (NM_001257281.2); short protein forms L337I.
Identifiers: ClinVar variation 953113 (VCV000953113.9), dbSNP rs1690715876, ClinGen allele CA351154281.
Genomic context (GRCh38, chr2:232,163,517, plus strand): 5'-AGGCAGCTGGCTAAGAGTCTTGGGCAGGCTGGTGAAATTGAGCCTGAAACAGAAGGAATA[C>A]TAACAGAGTATGGCGTGGATTTCTCTGATTTCTCTTCAGAAGTTCTAGAATGTCTTCCTC-3'
Protein context (NP_689596.4, residues 327-347): GEIEPETEGI[Leu337Ile]TEYGVDFSDF

ClinVar aggregate classification (germline): Uncertain significance (1 of 4 stars; one submission).

Conditions:
Perlman syndrome (PRLMNS). Identifiers: Orphanet 2849, MedGen C0796113, MONDO:0009965, OMIM 267000.

Submission:

Labcorp Genetics (formerly Invitae), Labcorp
Classification: Uncertain significance for Perlman syndrome. Last evaluated: 2019-10-26. Review status: criteria provided, single submitter. Criteria: Invitae Variant Classification Sherloc (09022015). Collection method: clinical testing. Allele origin: germline.
Comment: In summary, the available evidence is currently insufficient to determine the role of this variant in disease. Therefore, it has been classified as a Variant of Uncertain Significance. Algorithms developed to predict the effect of missense changes on protein structure and function are either unavailable or do not agree on the potential impact of this missense change (SIFT: "Tolerated"; PolyPhen-2: "Possibly Damaging"; Align-GVGD: "Class C0"). This sequence change replaces leucine with isoleucine at codon 337 of the DIS3L2 protein (p.Leu337Ile). The leucine residue is highly conserved and there is a small physicochemical difference between leucine and isoleucine. This variant is not present in population databases (ExAC no frequency). This variant has not been reported in the literature in individuals with DIS3L2-related conditions.